The following is an entry in ClinVar:

NM_001372.4(DNAH9):c.5330T>C (p.Met1777Thr)

Gene: DNAH9 (dynein axonemal heavy chain 9; plus strand). Cytogenetic location: 17p12.
Variant type: single nucleotide variant.
Coding change: c.5330T>C on transcript NM_001372.4 (MANE Select); coding-DNA position 5330, T replaced by C.
Protein change: p.Met1777Thr; replaces methionine 1777 with threonine.
Molecular consequence: missense variant.
Genome position (GRCh38, 1-based): chr17:11,704,381, T>C. VCF-style: chr17-11704381-T-C. GRCh37 (hg19) VCF-style: chr17-11607698-T-C.
Other names: short protein forms M1777T.
Identifiers: ClinVar variation 4709023 (VCV004709023.2).

ClinVar aggregate classification (germline): Uncertain significance. Review status: criteria provided, multiple submitters, no conflicts (2 of 4 stars). 2 submissions from 2 submitters: Uncertain significance (2). Last evaluated 2026-01-25.

Submissions (2):

Labcorp Genetics (formerly Invitae), Labcorp
Classification: Uncertain significance. Last evaluated: 2026-01-25. Review status: criteria provided, single submitter. Criteria: Invitae Variant Classification Sherloc (09022015). Collection method: clinical testing. Allele origin: germline.
Comment: This sequence change replaces methionine, which is neutral and non-polar, with threonine, which is neutral and polar, at codon 1777 of the DNAH9 protein (p.Met1777Thr). This variant is present in population databases (rs760525875, gnomAD 0.02%). This variant has not been reported in the literature in individuals affected with DNAH9-related conditions. Invitae Evidence Modeling of protein sequence and biophysical properties (such as structural, functional, and spatial information, amino acid conservation, physicochemical variation, residue mobility, and thermodynamic stability) indicates that this missense variant is expected to disrupt DNAH9 protein function with a positive predictive value of 80%. In summary, the available evidence is currently insufficient to determine the role of this variant in disease. Therefore, it has been classified as a Variant of Uncertain Significance.

Blueprint Genetics
Classification: Uncertain significance. Last evaluated: 2024-08-14. Review status: criteria provided, single submitter. Criteria: ACMG Guidelines, 2015. Collection method: clinical testing. Allele origin: germline.